The following is an entry in ClinVar:

NM_001085487.3(MYSM1):c.1057A>G (p.Asn353Asp)

Gene: MYSM1 (Myb like, SWIRM and MPN domains 1; minus strand). Cytogenetic location: 1p32.1.
Variant type: single nucleotide variant.
Coding change: c.1057A>G on transcript NM_001085487.3 (MANE Select); coding-DNA position 1057, A replaced by G.
Protein change: p.Asn353Asp; replaces asparagine 353 with aspartic acid.
Molecular consequence: missense variant.
Genome position (GRCh38, 1-based): chr1:58,681,987, T>C on the plus strand (A>G on the coding strand, the complement: MYSM1 is on the minus strand). VCF-style: chr1-58681987-T-C. GRCh37 (hg19) VCF-style: chr1-59147659-T-C.
Other names: short protein forms N353D.
Identifiers: ClinVar variation 2851275 (VCV002851275.3), dbSNP rs1355491547, ClinGen allele CA340525665.

ClinVar aggregate classification (germline): Uncertain significance (1 of 4 stars; one submission).

Allele frequency attached by ClinVar (database versions not stated): gnomAD exomes below 0.00001.

Submission:

Labcorp Genetics (formerly Invitae), Labcorp
Classification: Uncertain significance. Last evaluated: 2023-03-31. Review status: criteria provided, single submitter. Criteria: Invitae Variant Classification Sherloc (09022015). Collection method: clinical testing. Allele origin: germline.
Comment: In summary, the available evidence is currently insufficient to determine the role of this variant in disease. Therefore, it has been classified as a Variant of Uncertain Significance. Advanced modeling of protein sequence and biophysical properties (such as structural, functional, and spatial information, amino acid conservation, physicochemical variation, residue mobility, and thermodynamic stability) performed at Invitae indicates that this missense variant is not expected to disrupt MYSM1 protein function. This variant has not been reported in the literature in individuals affected with MYSM1-related conditions. This variant is present in population databases (no rsID available, gnomAD 0.003%). This sequence change replaces asparagine, which is neutral and polar, with aspartic acid, which is acidic and polar, at codon 353 of the MYSM1 protein (p.Asn353Asp).